The following is an entry in ClinVar:

NM_000203.5(IDUA):c.641C>G (p.Pro214Arg)

Gene: IDUA (alpha-L-iduronidase; plus strand). Cytogenetic location: 4p16.3.
Variant type: single nucleotide variant.
Coding change: c.641C>G on transcript NM_000203.5 (MANE Select); coding-DNA position 641, C replaced by G.
Protein change: p.Pro214Arg; replaces proline 214 with arginine.
Molecular consequence: missense variant. On other transcripts: non-coding transcript variant (1).
Genome position (GRCh38, 1-based): chr4:1,001,730, C>G. VCF-style: chr4-1001730-C-G. GRCh37 (hg19) VCF-style: chr4-995518-C-G.
Other names: c.245C>G, p.Pro82Arg (NM_001363576.1); short protein forms P214R, P82R.
Identifiers: ClinVar variation 1905128 (VCV001905128.5), dbSNP rs2534084703, ClinGen allele CA355961983.

ClinVar aggregate classification (germline): Uncertain significance (1 of 4 stars; one submission).

Conditions:
Mucopolysaccharidosis type 1. Also called: IDUA deficiency; MPS I; Mucopolysaccharidosis Type I. Identifiers: Orphanet 579, MedGen C0023786, MONDO:0001586.

Submission:

Labcorp Genetics (formerly Invitae), Labcorp
Classification: Uncertain significance for Mucopolysaccharidosis type 1. Last evaluated: 2022-06-13. Review status: criteria provided, single submitter. Criteria: Invitae Variant Classification Sherloc (09022015). Collection method: clinical testing. Allele origin: germline.
Comment: In summary, the available evidence is currently insufficient to determine the role of this variant in disease. Therefore, it has been classified as a Variant of Uncertain Significance. Advanced modeling of protein sequence and biophysical properties (such as structural, functional, and spatial information, amino acid conservation, physicochemical variation, residue mobility, and thermodynamic stability) performed at Invitae indicates that this missense variant is expected to disrupt IDUA protein function. This variant has not been reported in the literature in individuals affected with IDUA-related conditions. This variant is not present in population databases (gnomAD no frequency). This sequence change replaces proline, which is neutral and non-polar, with arginine, which is basic and polar, at codon 214 of the IDUA protein (p.Pro214Arg).